The following is an entry in ClinVar:

ClinVar aggregate classification (germline): Conflicting classifications of pathogenicity. Review status: criteria provided, conflicting classifications (1 of 4 stars). 3 submissions from 3 submitters: Pathogenic (1); Benign (1); Likely benign (1). Last evaluated 2025-09-10.

Conditions:
Mucopolysaccharidosis, MPS-II (MPS2). Also called: Attenuated MPS (subtype; formerly known as mild MPS II); Severe MPS II; I2S deficiency; MPS 2; Hunter Syndrome; IDS deficiency. Identifiers: Orphanet 580, Orphanet 79388, MedGen C0026705, MONDO:0010674, OMIM 309900.

Allele frequency attached by ClinVar (database versions not stated): gnomAD exomes below 0.00001; ExAC 0.00001.

Submissions (3):

Genomic Medicine Center of Excellence, King Faisal Specialist Hospital and Research Centre
Classification: Likely benign for Mucopolysaccharidosis, MPS-II. Last evaluated: 2025-09-10. Review status: criteria provided, single submitter. Criteria: ACMG Guidelines, 2015. Collection method: clinical testing. Allele origin: germline.

Laboratory of Diagnosis and Therapy of Lysosomal Disorders, University of Padova
Classification: Pathogenic for Mucopolysaccharidosis, MPS-II. Last evaluated: 2024-06-07. Review status: criteria provided, single submitter. Criteria: ACMG Guidelines, 2015. Collection method: literature only. Allele origin: germline. Affected: yes. Observed: 2 variant alleles.
Comment: Prevalence of the variant significantly increased in affected individuals compared with controls (PS4_Strong), Absent from controls (or at low frequency) in gnomAD database (PM2_Moderate), Missense variant in a gene with a low rate of benign missense variation (PP2_Supporting), Multiple lines of computational evidence support a deleterious effect (PP3_Supporting), Patient’s phenotype or family history highly specific for the disease (PP4_Strong)

Classification method: ACMG Guidelines [PMID:25741868] with modifications

Serv. Biochemistry and Molecular genetics, Hospital Clinic de Barcelona, Hospital Clínic de Barcelona
Classification: Benign for Mucopolysaccharidosis, MPS-II. Last evaluated: 2024-03-18. Review status: criteria provided, single submitter. Criteria: ACMG Guidelines, 2015. Collection method: clinical testing. Allele origin: germline. Inheritance: X-linked recessive inheritance. Affected: no.
Comment: Mucopolysaccharidosis type 2 or Hunter disease is a recessive X-linked disorder due to mutations in IDS gene. This gene codifies for iduronate-2-sulfatase, and enzyme crucial in the degradation of heparan and dermatan sulfate. This variant could be classified as likely pathogenic if we apply the following criteria based on the ACMG guidelines: PP2, PP3, PM1, PM2, PM5. It is the rs782430567 in dbSNP. In ClinVar it is reported with the accession RCV001568383.1. It is not reported in HGMD although there is a variant reported as pathogenic in the same base: c.1454T>A (p.Ile485Lys). We then performed the iduronate-2-sulfatase enzymatic activity in leukocytes of the patient, and it was of 27 nmol/4h/mg prot (control range 18-69 nmol/4h/mg prot), so it was completely normal. The activity was also tested in Dried Blood Spots (DBS) and it was of 5.4 micromol/L.h (control range 3.2-8.5 micromol/L.h).

Literature cited by the submitters: PubMed 33960103 (cited by Laboratory of Diagnosis and Therapy of Lysosomal Disorders, University of Padova); PubMed 16770800 (cited by Laboratory of Diagnosis and Therapy of Lysosomal Disorders, University of Padova).

NM_000202.8(IDS):c.1454T>C (p.Ile485Thr)

Gene: IDS (iduronate 2-sulfatase; minus strand). Cytogenetic location: Xq28.
Variant type: single nucleotide variant.
Coding change: c.1454T>C on transcript NM_000202.8 (MANE Select); coding-DNA position 1454, T replaced by C.
Protein change: p.Ile485Thr; replaces isoleucine 485 with threonine.
Molecular consequence: missense variant.
Genome position (GRCh38, 1-based): chrX:149,482,945, A>G on the plus strand (T>C on the coding strand, the complement: IDS is on the minus strand). VCF-style: chrX-149482945-A-G. GRCh37 (hg19) VCF-style: chrX-148564476-A-G.
Other names: c.1184T>C, p.Ile395Thr (NM_001166550.4); short protein forms I395T, I485T.
Identifiers: ClinVar variation 3062164 (VCV003062164.4), dbSNP rs782430567, ClinGen allele CA10537443.